The following is an entry in ClinVar:

NM_014915.3(ANKRD26):c.32C>T (p.Ser11Leu)

Genes: ANKRD26 (ankyrin repeat domain 26; minus strand), LOC130003554 (ATAC-STARR-seq lymphoblastoid silent region 2243; plus strand). Cytogenetic location: 10p12.1.
Variant type: single nucleotide variant.
Coding change: c.32C>T on transcript NM_014915.3 (MANE Select); coding-DNA position 32, C replaced by T.
Protein change: p.Ser11Leu; replaces serine 11 with leucine.
Molecular consequence: missense variant.
Genome position (GRCh38, 1-based): chr10:27,100,295, G>A on the plus strand (C>T on the coding strand, the complement: ANKRD26 is on the minus strand). VCF-style: chr10-27100295-G-A. GRCh37 (hg19) VCF-style: chr10-27389224-G-A.
Other names: c.32C>T, p.Ser11Leu (NM_001256053.2); short protein forms S11L.
Identifiers: ClinVar variation 3699936 (VCV003699936.3).

ClinVar aggregate classification (germline): Uncertain significance. Review status: criteria provided, multiple submitters, no conflicts (2 of 4 stars). 2 submissions from 2 submitters: Uncertain significance (2). Last evaluated 2025-10-23.

Conditions:
Inborn genetic diseases. Identifiers: MedGen C0950123, MeSH D030342.

gnomAD v4.1: 1 of 1,609,792 alleles (0.000062%); highest among the groups gnomAD compares: Non-Finnish European, 0.000085%; no homozygotes.

Submissions (2):

Ambry Genetics
Classification: Uncertain significance for Inborn genetic diseases. Last evaluated: 2025-10-23. Review status: criteria provided, single submitter. Criteria: Ambry Variant Classification Scheme 2023. Collection method: clinical testing. Allele origin: germline.
Comment: The p.S11L variant (also known as c.32C>T), located in coding exon 1 of the ANKRD26 gene, results from a C to T substitution at nucleotide position 32. The serine at codon 11 is replaced by leucine, an amino acid with dissimilar properties. This amino acid position is conserved. In addition, this alteration is predicted to be tolerated by in silico analysis. Based on the available evidence, the clinical significance of this variant remains unclear.

Labcorp Genetics (formerly Invitae), Labcorp
Classification: Uncertain significance. Last evaluated: 2024-05-04. Review status: criteria provided, single submitter. Criteria: Invitae Variant Classification Sherloc (09022015). Collection method: clinical testing. Allele origin: germline.
Comment: This sequence change replaces serine, which is neutral and polar, with leucine, which is neutral and non-polar, at codon 11 of the ANKRD26 protein (p.Ser11Leu). This variant is not present in population databases (gnomAD no frequency). This variant has not been reported in the literature in individuals affected with ANKRD26-related conditions. Algorithms developed to predict the effect of missense changes on protein structure and function output the following: SIFT: "Not Available"; PolyPhen-2: "Benign"; Align-GVGD: "Not Available". The leucine amino acid residue is found in multiple mammalian species, which suggests that this missense change does not adversely affect protein function. In summary, the available evidence is currently insufficient to determine the role of this variant in disease. Therefore, it has been classified as a Variant of Uncertain Significance.